The following is an entry in ClinVar:

NM_001252024.2(TRPM1):c.2207T>C (p.Leu736Pro)

Gene: TRPM1 (transient receptor potential cation channel subfamily M member 1; minus strand). Cytogenetic location: 15q13.3.
Variant type: single nucleotide variant.
Coding change: c.2207T>C on transcript NM_001252024.2 (MANE Select); coding-DNA position 2207, T replaced by C.
Protein change: p.Leu736Pro; replaces leucine 736 with proline.
Molecular consequence: missense variant.
Genome position (GRCh38, 1-based): chr15:31,040,227, A>G on the plus strand (T>C on the coding strand, the complement: TRPM1 is on the minus strand). VCF-style: chr15-31040227-A-G. GRCh37 (hg19) VCF-style: chr15-31332430-A-G.
Other names: c.2258T>C, p.Leu753Pro (NM_001252020.2); c.2141T>C, p.Leu714Pro (NM_002420.6); short protein forms L736P, L714P, L753P.
Identifiers: ClinVar variation 2137644 (VCV002137644.4), dbSNP rs1341444637, ClinGen allele CA391509950.

ClinVar aggregate classification (germline): Uncertain significance (1 of 4 stars; one submission).

Allele frequency attached by ClinVar (database versions not stated): gnomAD 0.00001; TOPMed 0.00001.
gnomAD v4.1: 1 of 1,614,092 alleles (0.000062%); highest among the groups gnomAD compares: African/African-American, 0.0013%; no homozygotes.

Submission:

Labcorp Genetics (formerly Invitae), Labcorp
Classification: Uncertain significance. Last evaluated: 2022-09-05. Review status: criteria provided, single submitter. Criteria: Invitae Variant Classification Sherloc (09022015). Collection method: clinical testing. Allele origin: germline.
Comment: In summary, the available evidence is currently insufficient to determine the role of this variant in disease. Therefore, it has been classified as a Variant of Uncertain Significance. Algorithms developed to predict the effect of missense changes on protein structure and function are either unavailable or do not agree on the potential impact of this missense change (SIFT: "Deleterious"; PolyPhen-2: "Benign"; Align-GVGD: "Class C65"). This variant has not been reported in the literature in individuals affected with TRPM1-related conditions. This variant is not present in population databases (gnomAD no frequency). This sequence change replaces leucine, which is neutral and non-polar, with proline, which is neutral and non-polar, at codon 714 of the TRPM1 protein (p.Leu714Pro).